The following is an entry in ClinVar:

ClinVar aggregate classification (germline): Uncertain significance. Review status: criteria provided, multiple submitters, no conflicts (2 of 4 stars). 2 submissions from 2 submitters: Uncertain significance (2). Last evaluated 2025-01-11.

Conditions:
Inborn genetic diseases. Identifiers: MedGen C0950123, MeSH D030342.

Allele frequency attached by ClinVar (database versions not stated): gnomAD exomes below 0.00001; gnomAD 0.00001; ExAC 0.00002; TOPMed 0.00002.
gnomAD v4.1: 3 of 1,590,200 alleles (0.00019%); highest among the groups gnomAD compares: African/African-American, 0.0041%; no homozygotes.

Submissions (2):

Ambry Genetics
Classification: Uncertain significance for Inborn genetic diseases. Last evaluated: 2025-01-11. Review status: criteria provided, single submitter. Criteria: Ambry Variant Classification Scheme 2023. Collection method: clinical testing. Allele origin: germline.
Comment: The p.S241F variant (also known as c.722C>T), located in coding exon 6 of the ANKRD26 gene, results from a C to T substitution at nucleotide position 722. The serine at codon 241 is replaced by phenylalanine, an amino acid with highly dissimilar properties. This amino acid position is conserved. In addition, this alteration is predicted to be tolerated by in silico analysis. Based on the available evidence, the clinical significance of this variant remains unclear.

Labcorp Genetics (formerly Invitae), Labcorp
Classification: Uncertain significance. Last evaluated: 2024-05-01. Review status: criteria provided, single submitter. Criteria: Invitae Variant Classification Sherloc (09022015). Collection method: clinical testing. Allele origin: germline.
Comment: This sequence change replaces serine, which is neutral and polar, with phenylalanine, which is neutral and non-polar, at codon 241 of the ANKRD26 protein (p.Ser241Phe). The frequency data for this variant in the population databases is considered unreliable, as metrics indicate poor data quality at this position in the gnomAD database. This variant has not been reported in the literature in individuals affected with ANKRD26-related conditions. An algorithm developed to predict the effect of missense changes on protein structure and function (PolyPhen-2) suggests that this variant is likely to be tolerated. In summary, the available evidence is currently insufficient to determine the role of this variant in disease. Therefore, it has been classified as a Variant of Uncertain Significance.

NM_014915.3(ANKRD26):c.722C>T (p.Ser241Phe)

Gene: ANKRD26 (ankyrin repeat domain 26; minus strand). Cytogenetic location: 10p12.1.
Variant type: single nucleotide variant.
Coding change: c.722C>T on transcript NM_014915.3 (MANE Select); coding-DNA position 722, C replaced by T.
Protein change: p.Ser241Phe; replaces serine 241 with phenylalanine.
Molecular consequence: missense variant.
Genome position (GRCh38, 1-based): chr10:27,082,821, G>A on the plus strand (C>T on the coding strand, the complement: ANKRD26 is on the minus strand). VCF-style: chr10-27082821-G-A. GRCh37 (hg19) VCF-style: chr10-27371750-G-A.
Other names: c.722C>T, p.Ser241Phe (NM_001256053.2); short protein forms S241F.
Identifiers: ClinVar variation 2885994 (VCV002885994.4), dbSNP rs780092722, ClinGen allele CA5448832.